The following is an entry in ClinVar:

NM_020821.3(VPS13C):c.6247C>T (p.Pro2083Ser)

Gene: VPS13C (vacuolar protein sorting 13 homolog C; minus strand). Cytogenetic location: 15q22.2.
Variant type: single nucleotide variant.
Coding change: c.6247C>T on transcript NM_020821.3 (MANE Select); coding-DNA position 6247, C replaced by T.
Protein change: p.Pro2083Ser; replaces proline 2083 with serine.
Molecular consequence: missense variant.
Genome position (GRCh38, 1-based): chr15:61,929,540, G>A on the plus strand (C>T on the coding strand, the complement: VPS13C is on the minus strand). VCF-style: chr15-61929540-G-A. GRCh37 (hg19) VCF-style: chr15-62221739-G-A.
Other names: c.6247C>T, p.Pro2083Ser (NM_001018088.3); c.6118C>T, p.Pro2040Ser (NM_017684.5, NM_018080.4); short protein forms P2040S, P2083S.
Identifiers: ClinVar variation 1481111 (VCV001481111.6), dbSNP rs375711746, ClinGen allele CA7595601.
Genomic context (GRCh38, chr15:61,929,540, plus strand): 5'-TGACAGATAAATTCTGCTAACCTTTCTCTATCTTGACCTTCCCTGTGGCAGTCTGTCTTG[G>A]TAAAATCTGTGTTTCTTTTGCCACATTTTCTGGACTCTGAGGCACAGCTTTGATAAAGAA-3'
Protein context (NP_065872.1, residues 2073-2093): ENVAKETQIL[Pro2083Ser]RQTATGKVKI

ClinVar aggregate classification (germline): Uncertain significance (1 of 4 stars; one submission).

Allele frequency attached by ClinVar (database versions not stated): TOPMed below 0.00001; gnomAD 0.00001 and 0.00002; 1000 Genomes Project 30x 0.00031; 1000 Genomes Project 0.00040.
gnomAD v4.1: 12 of 1,613,902 alleles (0.00074%); highest among the groups gnomAD compares: East Asian, 0.016%; no homozygotes.

Submission:

Labcorp Genetics (formerly Invitae), Labcorp
Classification: Uncertain significance. Last evaluated: 2021-10-24. Review status: criteria provided, single submitter. Criteria: Invitae Variant Classification Sherloc (09022015). Collection method: clinical testing. Allele origin: germline.
Comment: This sequence change replaces proline, which is neutral and non-polar, with serine, which is neutral and polar, at codon 2083 of the VPS13C protein (p.Pro2083Ser). This variant is present in population databases (rs375711746, gnomAD 0.02%). This missense change has been observed in individual(s) with Parkinson disease (PMID: 32171587). Algorithms developed to predict the effect of missense changes on protein structure and function output the following: SIFT: "Tolerated"; PolyPhen-2: "Benign"; Align-GVGD: "Class C0". The serine amino acid residue is found in multiple mammalian species, which suggests that this missense change does not adversely affect protein function. In summary, the available evidence is currently insufficient to determine the role of this variant in disease. Therefore, it has been classified as a Variant of Uncertain Significance.

Literature cited by the submitters: PubMed 32171587.